The following is an entry in ClinVar:

ClinVar aggregate classification (germline): Benign (1 of 4 stars; one submission).

Submission:

CeGaT Center for Human Genetics Tuebingen
Classification: Benign. Last evaluated: 2026-09-01. Review status: criteria provided, single submitter. Criteria: CeGaT Center For Human Genetics Tuebingen Variant Classification Criteria Version 2. Collection method: clinical testing. Allele origin: germline. Affected: yes. Observed: 25 variant alleles.
Comment: SPAST: BS1, BS2

NM_014946.4(SPAST):c.1322-37del

Gene: SPAST (spastin; plus strand). Cytogenetic location: 2p22.3.
Variant type: Deletion.
Coding change: c.1322-37del on transcript NM_014946.4 (MANE Select); 37 bases into the intron before coding-DNA position 1322, one base deleted (G; older notation c.1322-37delG).
Molecular consequence: intron variant.
Genome position (GRCh38, 1-based): chr2:32,136,840, G deleted; the last of 2 consecutive G bases (chr2:32,136,839-32,136,840); deleting either gives the same sequence. VCF-style (leftmost placement, unchanged base first): chr2-32136838-TG-T. GRCh37 (hg19) VCF-style: chr2-32361907-TG-T.
Other names: c.1226-37del (NM_199436.2, NM_001377959.1); c.1319-37del (NM_001363823.2); c.1223-37del (NM_001363875.2).
Identifiers: ClinVar variation 1694952 (VCV001694952.31), dbSNP rs550419450, ClinGen allele CA1600868.